The following is an entry in ClinVar:

NM_014639.4(SKIC3):c.820G>T (p.Gly274Cys)

Gene: SKIC3 (SKI3 subunit of superkiller complex; minus strand). Cytogenetic location: 5q15.
Variant type: single nucleotide variant.
Coding change: c.820G>T on transcript NM_014639.4 (MANE Select); coding-DNA position 820, G replaced by T.
Protein change: p.Gly274Cys; replaces glycine 274 with cysteine.
Molecular consequence: missense variant.
Genome position (GRCh38, 1-based): chr5:95,530,161, C>A on the plus strand (G>T on the coding strand, the complement: SKIC3 is on the minus strand). VCF-style: chr5-95530161-C-A. GRCh37 (hg19) VCF-style: chr5-94865865-C-A.
Other names: short protein forms G274C.
Identifiers: ClinVar variation 1957466 (VCV001957466.5), dbSNP rs1747728342, ClinGen allele CA360466708.

ClinVar aggregate classification (germline): Uncertain significance (1 of 4 stars; one submission).

Allele frequency attached by ClinVar (database versions not stated): gnomAD 0.00001.
gnomAD v4.1: 1 of 1,613,520 alleles (0.000062%); highest among the groups gnomAD compares: Admixed American, 0.0017%; no homozygotes.

Submission:

Labcorp Genetics (formerly Invitae), Labcorp
Classification: Uncertain significance. Last evaluated: 2025-08-11. Review status: criteria provided, single submitter. Criteria: Invitae Variant Classification Sherloc (09022015). Collection method: clinical testing. Allele origin: germline.
Comment: This sequence change replaces glycine, which is neutral and non-polar, with cysteine, which is neutral and slightly polar, at codon 274 of the TTC37 protein (p.Gly274Cys). This variant is not present in population databases (gnomAD no frequency). This variant has not been reported in the literature in individuals affected with TTC37-related conditions. ClinVar contains an entry for this variant (Variation ID: 1957466). An algorithm developed to predict the effect of missense changes on protein structure and function (PolyPhen-2) suggests that this variant is likely to be disruptive. In summary, the available evidence is currently insufficient to determine the role of this variant in disease. Therefore, it has been classified as a Variant of Uncertain Significance.